The following is an entry in ClinVar:

ClinVar aggregate classification (germline): Uncertain significance (1 of 4 stars; one submission).

Submission:

Labcorp Genetics (formerly Invitae), Labcorp
Classification: Uncertain significance. Last evaluated: 2023-08-06. Review status: criteria provided, single submitter. Criteria: Invitae Variant Classification Sherloc (09022015). Collection method: clinical testing. Allele origin: germline.
Comment: This sequence change replaces lysine, which is basic and polar, with asparagine, which is neutral and polar, at codon 39 of the EMC1 protein (p.Lys39Asn). This variant is not present in population databases (gnomAD no frequency). This variant has not been reported in the literature in individuals affected with EMC1-related conditions. Advanced modeling of protein sequence and biophysical properties (such as structural, functional, and spatial information, amino acid conservation, physicochemical variation, residue mobility, and thermodynamic stability) performed at Invitae indicates that this missense variant is not expected to disrupt EMC1 protein function. In summary, the available evidence is currently insufficient to determine the role of this variant in disease. Therefore, it has been classified as a Variant of Uncertain Significance.

NM_015047.3(EMC1):c.117G>C (p.Lys39Asn)

Gene: EMC1 (ER membrane protein complex subunit 1; minus strand). Cytogenetic location: 1p36.13.
Variant type: single nucleotide variant.
Coding change: c.117G>C on transcript NM_015047.3 (MANE Select); coding-DNA position 117, G replaced by C.
Protein change: p.Lys39Asn; replaces lysine 39 with asparagine.
Molecular consequence: missense variant.
Genome position (GRCh38, 1-based): chr1:19,245,009, C>G on the plus strand (G>C on the coding strand, the complement: EMC1 is on the minus strand). VCF-style: chr1-19245009-C-G. GRCh37 (hg19) VCF-style: chr1-19571503-C-G.
Other names: c.117G>C, p.Lys39Asn (NM_001271427.2, NM_001271428.2, NM_001271429.2 and 2 more transcripts); short protein forms K39N.
Identifiers: ClinVar variation 2750718 (VCV002750718.3), dbSNP rs2536814926, ClinGen allele CA338774126.